The following is an entry in ClinVar:

ClinVar aggregate classification (germline): Uncertain significance. Review status: criteria provided, multiple submitters, no conflicts (2 of 4 stars). 11 submissions from 11 submitters: Uncertain significance (11). Last evaluated 2025-09-26.

Conditions:
MYBPC3-related disorder. Also called: MYBPC3-related disorders; MYBPC3-related condition; MYBPC3-related disease.
Cardiovascular phenotype. Identifiers: MedGen CN230736.
Cardiomyopathy (CMYO). Also called: Cardiomyopathies. Identifiers: Orphanet 167848, MedGen C0878544, MONDO:0004994, HP:0001638. Inheritance: Various modes of inheritance.
Hypertrophic cardiomyopathy 4. Also called: Familial hypertrophic cardiomyopathy 4. Identifiers: MedGen C1861862, MONDO:0007268, OMIM 115197.
Hypertrophic cardiomyopathy. Also called: HYPERTROPHIC MYOCARDIOPATHY. Identifiers: Orphanet 217569, MedGen C0007194, MeSH D002312, MONDO:0005045, HP:0001639.

Allele frequency attached by ClinVar (database versions not stated): gnomAD exomes 0.00002 and 0.00003; ExAC 0.00005; gnomAD 0.00001; TOPMed 0.00001.
gnomAD v4.1: 38 of 1,578,396 alleles (0.0024%); highest among the groups gnomAD compares: East Asian, 0.0093%; 1 homozygote.

Submissions (11):

Dasa
Classification: Uncertain significance for Hypertrophic cardiomyopathy 4. Last evaluated: 2025-09-26. Review status: criteria provided, single submitter. Criteria: DASA Assertion Criteria. Collection method: clinical testing. Allele origin: germline.
Comment: NM_000256.3(MYBPC3):c.2398G>A (p.Gly800Arg) is a missense variant that results in the substitution of glycine with arginine. This variant has been recurrently observed in individuals with MYBPC3-related disorders (PMID: 29875424; PMID: 32841044; PMID: 33495597; PMID: 25447171). Also, this variant is rare in population databases. The currently available literature and clinical evidence are not sufficient to establish a definitive association between this variant and the reported condition. Therefore, this variant is classified as a variant of uncertain significance.

PreventionGenetics, part of Exact Sciences
Classification: Uncertain significance for MYBPC3-related condition. Last evaluated: 2025-08-20. Review status: criteria provided, single submitter. Criteria: ACMG Guidelines, 2015. Collection method: clinical testing. Allele origin: germline.
Comment: The MYBPC3 c.2398G>A variant is predicted to result in the amino acid substitution p.Gly800Arg. This variant has been reported in a case of sudden cardiac death along with additional variants identified in other genes (Campuzano et al. 2014. PubMed ID: 25447171), and in cohort studies of individuals with hypertrophic cardiomyopathy (see, for example, Mazzarotto et al. 2018. PubMed ID: 29875424; Ho et al. 2018. PubMed ID: 30297972; Preveden et al. 2022. PubMed ID: 35208637). This variant is reported in 0.0078% of alleles in individuals of South Asian descent in gnomAD. At this time, the clinical significance of this variant is uncertain due to the absence of conclusive functional and genetic evidence.

Molecular Diagnostic Laboratory for Inherited Cardiovascular Disease, Montreal Heart Institute
Classification: Uncertain significance for Cardiovascular phenotype. Last evaluated: 2025-04-09. Review status: criteria provided, single submitter. Criteria: ACMG Guidelines, 2015. Collection method: clinical testing. Allele origin: germline. Affected: yes.

Ambry Genetics
Classification: Uncertain significance for Cardiovascular phenotype. Last evaluated: 2025-02-04. Review status: criteria provided, single submitter. Criteria: Ambry Variant Classification Scheme 2023. Collection method: clinical testing. Allele origin: germline.
Comment: The p.G800R variant (also known as c.2398G>A), located in coding exon 24 of the MYBPC3 gene, results from a G to A substitution at nucleotide position 2398. The glycine at codon 800 is replaced by arginine, an amino acid with dissimilar properties. This variant was reported in individual(s) with features consistent with hypertrophic cardiomyopathy (Ho CY et al. Circulation, 2018 Oct;138:1387-1398). This amino acid position is highly conserved in available vertebrate species. In addition, this alteration is predicted to be deleterious by in silico analysis. Based on the available evidence, the clinical significance of this variant remains unclear.

Labcorp Genetics (formerly Invitae), Labcorp
Classification: Uncertain significance for Hypertrophic cardiomyopathy. Last evaluated: 2024-10-24. Review status: criteria provided, single submitter. Criteria: Invitae Variant Classification Sherloc (09022015). Collection method: clinical testing. Allele origin: germline.
Comment: This sequence change replaces glycine, which is neutral and non-polar, with arginine, which is basic and polar, at codon 800 of the MYBPC3 protein (p.Gly800Arg). This variant is present in population databases (rs727504574, gnomAD 0.008%). This missense change has been observed in individual(s) with hypertrophic cardiomyopathy and/or sudden unexplained death (PMID: 25447171, 29875424, 32841044, 33782553). ClinVar contains an entry for this variant (Variation ID: 178966). An algorithm developed to predict the effect of missense changes on protein structure and function (PolyPhen-2) suggests that this variant is likely to be disruptive. In summary, the available evidence is currently insufficient to determine the role of this variant in disease. Therefore, it has been classified as a Variant of Uncertain Significance.

All of Us Research Program, National Institutes of Health
Classification: Uncertain significance for Hypertrophic cardiomyopathy. Last evaluated: 2024-02-22. Review status: criteria provided, single submitter. Criteria: ACMG Guidelines, 2015. Collection method: clinical testing. Allele origin: germline. Inheritance: Autosomal dominant inheritance. Observed: 4 variant alleles, 4 heterozygotes.
Comment: This missense variant replaces glycine with arginine at codon 800 of the MYBPC3 protein. Computational prediction is inconclusive regarding the impact of this variant on protein structure and function (internally defined REVEL score threshold 0.5 < inconclusive < 0.7, PMID: 27666373). To our knowledge, functional studies have not been reported for this variant. This variant has been reported in an individual affected with hypertrophic cardiomyopathy (PMID: 29875424, 32841044, 33495597) and in an individual affected with sudden cardiac death (PMID: 25447171). This variant has been identified in 6/190784 chromosomes in the general population by the Genome Aggregation Database (gnomAD). The available evidence is insufficient to determine the role of this variant in disease conclusively. Therefore, this variant is classified as a Variant of Uncertain Significance.

This study involves interpretation of variants in research participants for the purpose of population health screening. Participant phenotype was not available at the time of variant classification. Additional details can be found in publication PMID: 35346344, PMCID: PMC8962531

Color Diagnostics, LLC DBA Color Health
Classification: Uncertain significance for Cardiomyopathy. Last evaluated: 2024-02-07. Review status: criteria provided, single submitter. Criteria: ACMG Guidelines, 2015. Collection method: clinical testing. Allele origin: germline.
Comment: This missense variant replaces glycine with arginine at codon 800 of the MYBPC3 protein. Computational prediction tools indicate that this variant has a deleterious impact on protein structure and function. To our knowledge, functional studies have not been reported for this variant. This variant has been reported in one individual affected with hypertrophic cardiomyopathy (PMID: 29875424, 32841044, 33495597) and in one individual affected with sudden cardiac death (PMID: 25447171). This variant has been identified in 6/190784 chromosomes in the general population by the Genome Aggregation Database (gnomAD). The available evidence is insufficient to determine the role of this variant in disease conclusively. Therefore, this variant is classified as a Variant of Uncertain Significance.

Blueprint Genetics
Classification: Uncertain significance. Last evaluated: 2023-11-15. Review status: criteria provided, single submitter. Criteria: ACMG Guidelines, 2015. Collection method: clinical testing. Allele origin: germline.

Victorian Clinical Genetics Services, Murdoch Childrens Research Institute
Classification: Uncertain significance for Hypertrophic cardiomyopathy 4. Last evaluated: 2022-02-02. Review status: criteria provided, single submitter. Criteria: ACMG Guidelines, 2015. Collection method: clinical testing. Allele origin: germline. Inheritance: Autosomal dominant inheritance. Affected: yes.
Comment: Based on the classification scheme VCGS_Germline_v1.3.4, this variant is classified as VUS-3B. Following criteria are met: 0102 - Loss of function is a known mechanism of disease in this gene and is associated with hypertrophic cardiomyopathy 4 (HCM; MIM#115197). (I) 0108 - This gene is associated with both recessive and dominant disease. Dominant inheritance is frequently reported in adult onset conditions, however recessive inheritance results in a more severe early onset phenotype (OMIM). (I) 0115 - Variants in this gene are known to have variable expressivity (PMID: 32841044). (I) 0200 - Variant is predicted to result in a missense amino acid change from glycine to arginine. (I) 0251 - This variant is heterozygous. (I) 0302 - Variant is present in gnomAD (v2) <0.001 for a condition (4 heterozygotes, 1 homozygote). (SP) 0309 - An alternative amino acid change at the same position has been observed in gnomAD (v3) (1 heterozygote, 0 homozygotes). (I) 0501 - Missense variant consistently predicted to be damaging by multiple in silico tools or highly conserved with a major amino acid change. (SP) 0600 - Variant is located in the annotated Fibronectin type III domain (NCBI). (I) 0710 - Other missense variants comparable to the one identified in this case have inconclusive previous evidence for pathogenicity. Two other missense variants at this location have been reported as VUS in ClinVar. (I) 0809 - Previous evidence of pathogenicity for this variant is inconclusive. This variant has been reported in a sudden death individual with additional variants identified in other genes (PMID: 25447171). It has also been reported as VUS for cardiomyopathy, DCM and HCM in multiple individuals (ClinVar, PMID: 29875424). (I) 0905 - No published segregation evidence has been identified for this variant. (I) 1007 - No published functional evidence has been identified for this variant. (I) 1208 - Inheritance information for this variant is not currently available in this individual. (I) Legend: (SP) - Supporting pathogenic, (I) - Information, (SB) - Supporting benign

GeneDx
Classification: Uncertain significance. Last evaluated: 2020-04-29. Review status: criteria provided, single submitter. Criteria: GeneDx Variant Classification Process June 2021. Collection method: clinical testing. Allele origin: germline. Affected: yes.
Comment: Variant has been reported in association with cardiomyopathy or sudden unexpected death in the published literature (Campuzano et al., 2014; Ito et al., 2017; Ho et al., 2018) and has been identified in individuals with either hypertrophic or dilated cardiomyopathy referred for genetic testing at GeneDx; however, some individuals harbor additional variants; In silico analysis, which includes protein predictors and evolutionary conservation, supports a deleterious effect; Reported in ClinVar as a variant of uncertain significance but additional evidence is not available (ClinVar Variant ID 178966; Landrum et al., 2016); This variant is associated with the following publications: (PMID: 30297972, 28679633, 25447171)

Laboratory for Molecular Medicine, Mass General Brigham Personalized Medicine
Classification: Uncertain significance. Last evaluated: 2013-05-30. Review status: criteria provided, single submitter. Criteria: LMM Criteria. Collection method: clinical testing. Allele origin: germline. Observed: 1 variant allele.
Comment: The Gly800Arg variant in MYBPC3 has not been reported in individuals with cardio myopathy. Data from large population studies is insufficient to assess the frequ ency of this variant. Computational analyses (biochemical amino acid properties, conservation, AlignGVGD, PolyPhen2, and SIFT) suggest that this variant may imp act the protein, though this information is not predictive enough to determine p athogenicity. Additional information is needed to fully assess the clinical sign ificance of this variant.

Literature cited by the submitters: PubMed 29875424 (cited by 5 submitters); PubMed 32841044 (cited by 5 submitters); PubMed 33495597 (cited by 4 submitters); PubMed 25447171 (cited by 5 submitters); PubMed 30297972 (cited by Ambry Genetics); PubMed 33782553 (cited by Labcorp Genetics (formerly Invitae), Labcorp).

NM_000256.3(MYBPC3):c.2398G>A (p.Gly800Arg)

Gene: MYBPC3 (myosin binding protein C3; minus strand). Cytogenetic location: 11p11.2.
Variant type: single nucleotide variant.
Coding change: c.2398G>A on transcript NM_000256.3 (MANE Select); coding-DNA position 2398, G replaced by A.
Protein change: p.Gly800Arg; replaces glycine 800 with arginine.
Molecular consequence: missense variant.
Genome position (GRCh38, 1-based): chr11:47,337,705, C>T on the plus strand (G>A on the coding strand, the complement: MYBPC3 is on the minus strand). VCF-style: chr11-47337705-C-T. GRCh37 (hg19) VCF-style: chr11-47359256-C-T.
Other names: short protein forms G800R.
Identifiers: ClinVar variation 178966 (VCV000178966.22), dbSNP rs727504574, ClinGen allele CA012214.
Genomic context (GRCh38, chr11:47,337,705, plus strand): 5'-TCTGTTTGGCGCCCTCACACCTCCATCCGGTGCCCTTGCACTCACCCAGGATGGGCTGCC[C>T]GCCATCGTAGGCAGGCGGCTCCCACTGTACTGTGCAGGAGTCCTCTCCCACGTTGCTGAT-3'
Protein context (NP_000247.2, residues 790-810): VQWEPPAYDG[Gly800Arg]QPILGYILER